The following is an entry in ClinVar:

ClinVar aggregate classification (germline): Pathogenic/Likely pathogenic. Review status: criteria provided, multiple submitters, no conflicts (2 of 4 stars). 2 submissions from 2 submitters: Pathogenic (1); Likely pathogenic (1). Last evaluated 2024-10-01.

Submissions (2):

CeGaT Center for Human Genetics Tuebingen
Classification: Pathogenic. Last evaluated: 2024-10-01. Review status: criteria provided, single submitter. Criteria: CeGaT Center For Human Genetics Tuebingen Variant Classification Criteria Version 2. Collection method: clinical testing. Allele origin: germline. Affected: yes. Observed: 1 variant allele.
Comment: CLTC: PVS1, PM2

GeneDx
Classification: Likely pathogenic. Last evaluated: 2018-02-02. Review status: criteria provided, single submitter. Criteria: GeneDx Variant Classification (06012015). Collection method: clinical testing. Allele origin: germline. Affected: yes.
Comment: A variant of uncertain significance has been identified in the CLTC gene. The Y807X variant has not been reported previously as a pathogenic variant nor as a benign variant, to our knowledge. This variant is predicted to cause loss of normal protein function either through protein truncation or nonsense-mediated mRNA decay. The Y807X variant is not observed in large population cohorts (Lek et al., 2016). Based on the currently available information, it is unclear whether this variant is a pathogenic variant or a rare benign variant.

NM_004859.4(CLTC):c.2409T>G (p.Tyr803Ter)

Gene: CLTC (clathrin heavy chain; plus strand). Cytogenetic location: 17q23.1.
Variant type: single nucleotide variant.
Coding change: c.2409T>G on transcript NM_004859.4 (MANE Select); coding-DNA position 2409, T replaced by G.
Protein change: p.Tyr803Ter; replaces tyrosine 803 with a stop codon.
Molecular consequence: nonsense.
Genome position (GRCh38, 1-based): chr17:59,673,763, T>G. VCF-style: chr17-59673763-T-G. GRCh37 (hg19) VCF-style: chr17-57751124-T-G.
Other names: c.2421T>G, p.Tyr807Ter (NM_001288653.2); short protein forms Y807*, Y803*.
Identifiers: ClinVar variation 504197 (VCV000504197.16), dbSNP rs1197039101, ClinGen allele CA400415269.
Genomic context (GRCh38, chr17:59,673,763, plus strand): 5'-TGTCCATGATTTGGTGCTCTATTTATATAGAAATAATCTTCAAAAGTATATAGAGATATA[T>G]GTACAGAAGGTAAGTAATATGTAGGTAATGTAAAGGTATAATCTTACTATAGATTTTATT-3'